The following is an entry in ClinVar:

ClinVar aggregate classification (germline): Likely benign (1 of 4 stars; one submission).

Allele frequency attached by ClinVar (database versions not stated): 1000 Genomes Project 30x 0.00109; 1000 Genomes Project 0.00120; TOPMed 0.00279; ESP Exome Variant Server 0.00346; gnomAD 0.00385.
gnomAD v4.1: 6,452 of 1,612,242 alleles (0.4%); highest among the groups gnomAD compares: Non-Finnish European, 0.44%; 172 homozygotes.

Submission:

CeGaT Center for Human Genetics Tuebingen
Classification: Likely benign. Last evaluated: 2023-03-01. Review status: criteria provided, single submitter. Criteria: CeGaT Center For Human Genetics Tuebingen Variant Classification Criteria Version 2. Collection method: clinical testing. Allele origin: germline. Affected: yes. Observed: 1 variant allele.
Comment: PSG6: BP4, BS2

NM_001031850.4(PSG6):c.1211T>G (p.Ile404Ser)

Gene: PSG6 (pregnancy specific beta-1-glycoprotein 6; minus strand). Cytogenetic location: 19q13.31.
Variant type: single nucleotide variant.
Coding change: c.1211T>G on transcript NM_001031850.4 (MANE Select); coding-DNA position 1211, T replaced by G.
Protein change: p.Ile404Ser; replaces isoleucine 404 with serine.
Molecular consequence: missense variant.
Genome position (GRCh38, 1-based): chr19:42,906,951, A>C on the plus strand (T>G on the coding strand, the complement: PSG6 is on the minus strand). VCF-style: chr19-42906951-A-C. GRCh37 (hg19) VCF-style: chr19-43411103-A-C.
Other names: c.1211T>G, p.Ile404Ser (NM_002782.5); short protein forms I404S.
Identifiers: ClinVar variation 2650048 (VCV002650048.24), dbSNP rs1065525, ClinGen allele CA9480971.